The following is an entry in ClinVar:

NM_000307.5(POU3F4):c.285T>C (p.His95=)

Gene: POU3F4 (POU class 3 homeobox 4; plus strand). Cytogenetic location: Xq21.1.
Variant type: single nucleotide variant.
Coding change: c.285T>C on transcript NM_000307.5 (MANE Select); coding-DNA position 285, T replaced by C.
Protein change: p.His95=; no amino-acid change (histidine 95 retained).
Molecular consequence: synonymous variant.
Genome position (GRCh38, 1-based): chrX:83,508,609, T>C. VCF-style: chrX-83508609-T-C. GRCh37 (hg19) VCF-style: chrX-82763617-T-C.
Identifiers: ClinVar variation 929884 (VCV000929884.4), dbSNP rs1163443982, ClinGen allele CA517479065.

ClinVar aggregate classification (germline): Likely benign (1 of 4 stars; one submission).

Allele frequency attached by ClinVar (database versions not stated): gnomAD 0.00001; TOPMed 0.00001; gnomAD exomes 0.00001.
gnomAD v4.1: 5 of 1,208,794 alleles (0.00041%); highest among the groups gnomAD compares: Non-Finnish European, 0.00056%; no homozygotes.

Submission:

Laboratory for Molecular Medicine, Mass General Brigham Personalized Medicine
Classification: Likely benign. Last evaluated: 2019-07-26. Review status: criteria provided, single submitter. Criteria: LMM Criteria. Collection method: clinical testing. Allele origin: germline. Observed: 1 variant allele.
Comment: The p.His95His variant in POU3F4 is classified as likely benign because it does not alter an amino acid residue, it is not located within the splice consensus sequence, and splice prediction algorithms do not predict a newly created splice site. ACMG/AMP Criteria applied: BP4, BP7.